The following is an entry in ClinVar:

ClinVar aggregate classification (germline): Uncertain significance. Review status: criteria provided, multiple submitters, no conflicts (2 of 4 stars). 2 submissions from 2 submitters: Uncertain significance (2). Last evaluated 2022-08-15.

Conditions:
Hermansky-Pudlak syndrome 3 (HPS3). Identifiers: Orphanet 231512, Orphanet 79430, MedGen C3888001, MONDO:0013555, OMIM 614072.

Allele frequency attached by ClinVar (database versions not stated): ExAC 0.00002; gnomAD 0.00002; gnomAD exomes 0.00003 and 0.00004; TOPMed 0.00005.
gnomAD v4.1: 64 of 1,613,588 alleles (0.004%); highest among the groups gnomAD compares: African/African-American, 0.0053%; no homozygotes.

Submissions (2):

Labcorp Genetics (formerly Invitae), Labcorp
Classification: Uncertain significance. Last evaluated: 2022-08-15. Review status: criteria provided, single submitter. Criteria: Invitae Variant Classification Sherloc (09022015). Collection method: clinical testing. Allele origin: germline.
Comment: This sequence change replaces valine, which is neutral and non-polar, with isoleucine, which is neutral and non-polar, at codon 385 of the HPS3 protein (p.Val385Ile). This variant is present in population databases (rs749726836, gnomAD 0.02%). This variant has not been reported in the literature in individuals affected with HPS3-related conditions. ClinVar contains an entry for this variant (Variation ID: 343702). Algorithms developed to predict the effect of missense changes on protein structure and function (SIFT, PolyPhen-2, Align-GVGD) all suggest that this variant is likely to be tolerated. In summary, the available evidence is currently insufficient to determine the role of this variant in disease. Therefore, it has been classified as a Variant of Uncertain Significance.

Illumina Laboratory Services, Illumina
Classification: Uncertain significance for Hermansky-Pudlak syndrome 3. Last evaluated: 2018-01-12. Review status: criteria provided, single submitter. Criteria: ICSL Variant Classification Criteria 13 December 2019. Collection method: clinical testing. Allele origin: germline.

NM_032383.5(HPS3):c.1153G>A (p.Val385Ile)

Gene: HPS3 (HPS3 biogenesis of lysosomal organelles complex 2 subunit 1; plus strand). Cytogenetic location: 3q24.
Variant type: single nucleotide variant.
Coding change: c.1153G>A on transcript NM_032383.5 (MANE Select); coding-DNA position 1153, G replaced by A.
Protein change: p.Val385Ile; replaces valine 385 with isoleucine.
Molecular consequence: missense variant.
Genome position (GRCh38, 1-based): chr3:149,145,536, G>A. VCF-style: chr3-149145536-G-A. GRCh37 (hg19) VCF-style: chr3-148863323-G-A.
Other names: c.658G>A, p.Val220Ile (NM_001308258.2); short protein forms V385I, V220I.
Identifiers: ClinVar variation 343702 (VCV000343702.6), dbSNP rs749726836, ClinGen allele CA2660006.